The following is an entry in ClinVar:

ClinVar aggregate classification (germline): Uncertain significance (1 of 4 stars; one submission).

Submission:

Labcorp Genetics (formerly Invitae), Labcorp
Classification: Uncertain significance. Last evaluated: 2022-03-25. Review status: criteria provided, single submitter. Criteria: Invitae Variant Classification Sherloc (09022015). Collection method: clinical testing. Allele origin: germline.
Comment: In summary, the available evidence is currently insufficient to determine the role of this variant in disease. Therefore, it has been classified as a Variant of Uncertain Significance. Variants that disrupt the consensus splice site are a relatively common cause of aberrant splicing (PMID: 17576681, 9536098). Algorithms developed to predict the effect of sequence changes on RNA splicing suggest that this variant may disrupt the consensus splice site. This variant has not been reported in the literature in individuals affected with CDCA7-related conditions. This variant is not present in population databases (gnomAD no frequency). This sequence change affects codon 395 of the CDCA7 mRNA. It is a 'silent' change, meaning that it does not change the encoded amino acid sequence of the CDCA7 protein. This variant also falls at the last nucleotide of exon 8, which is part of the consensus splice site for this exon.

Literature cited by the submitters: PubMed 17576681; PubMed 9536098.

NM_031942.5(CDCA7):c.1185G>C (p.Pro395=)

Gene: CDCA7 (cell division cycle associated 7; plus strand). Cytogenetic location: 2q31.1.
Variant type: single nucleotide variant.
Coding change: c.1185G>C on transcript NM_031942.5 (MANE Select); coding-DNA position 1185, G replaced by C.
Protein change: p.Pro395=; no amino-acid change (proline 395 retained).
Molecular consequence: synonymous variant.
Genome position (GRCh38, 1-based): chr2:173,366,432, G>C. VCF-style: chr2-173366432-G-C. GRCh37 (hg19) VCF-style: chr2-174231160-G-C.
Other names: c.948G>C, p.Pro316= (NM_145810.3).
Identifiers: ClinVar variation 1987311 (VCV001987311.4), dbSNP rs1437714555, ClinGen allele CA429810543.